The following is an entry in ClinVar:

NC_000016.10:g.(?_15708803)_(15838269_?)del

Genes: NDE1 (nudE neurodevelopment protein 1; plus strand), MYH11 (myosin heavy chain 11; minus strand), LOC113939949 (Sharpr-MPRA regulatory region 5546; plus strand). Cytogenetic location: 16p13.11.
Variant type: Deletion.
Identifiers: ClinVar variation 417357 (VCV000417357.1).

ClinVar aggregate classification (germline): Uncertain significance (1 of 4 stars; one submission).

Conditions:
Aortic aneurysm, familial thoracic 4 (AAT4). Also called: AORTIC ANEURYSM/AORTIC DISSECTION AND PATENT DUCTUS ARTERIOSUS. Identifiers: MedGen C1851504, MONDO:0007568, OMIM 132900.

Submission:

Labcorp Genetics (formerly Invitae), Labcorp
Classification: Uncertain significance for Aortic aneurysm, familial thoracic 4. Last evaluated: 2016-07-18. Review status: criteria provided, single submitter. Criteria: Invitae Variant Classification Sherloc (09022015). Collection method: clinical testing. Allele origin: germline.
Comment: A gross deletion of the genomic region encompassing the full coding sequence of the MYH11 gene has been identified. The boundaries of this event are unknown as the deletion extends beyond the assayed region for this gene and therefore may encompass additional genes. While this particular variant has not been reported in the literature, loss-of-function variants in MYH11 are not necessarily pathogenic (PMID: 17666408, 21698135), and the clinical significance of this variant is uncertain at this time. For these reasons, it has been classified as a Variant of Uncertain Significance.